The following is an entry in ClinVar:

ClinVar aggregate classification (germline): Uncertain significance. Review status: criteria provided, multiple submitters, no conflicts (2 of 4 stars). 2 submissions from 2 submitters: Uncertain significance (2). Last evaluated 2023-11-14.

Conditions:
Inborn genetic diseases. Identifiers: MedGen C0950123, MeSH D030342.

Allele frequency attached by ClinVar (database versions not stated): gnomAD 0.00002 and 0.00003; TOPMed 0.00004.
gnomAD v4.1: 15 of 1,503,688 alleles (0.001%); highest among the groups gnomAD compares: Middle Eastern, 0.02%; no homozygotes.

Submissions (2):

Ambry Genetics
Classification: Uncertain significance for Inborn genetic diseases. Last evaluated: 2023-11-14. Review status: criteria provided, single submitter. Criteria: Ambry Variant Classification Scheme 2023. Collection method: clinical testing. Allele origin: germline.

Labcorp Genetics (formerly Invitae), Labcorp
Classification: Uncertain significance. Last evaluated: 2022-06-27. Review status: criteria provided, single submitter. Criteria: Invitae Variant Classification Sherloc (09022015). Collection method: clinical testing. Allele origin: germline.
Comment: Algorithms developed to predict the effect of missense changes on protein structure and function (SIFT, PolyPhen-2, Align-GVGD) all suggest that this variant is likely to be tolerated. This sequence change replaces valine, which is neutral and non-polar, with alanine, which is neutral and non-polar, at codon 196 of the HMX1 protein (p.Val196Ala). The frequency data for this variant in the population databases is considered unreliable, as metrics indicate poor data quality at this position in the gnomAD database. This variant has not been reported in the literature in individuals affected with HMX1-related conditions. ClinVar contains an entry for this variant (Variation ID: 848466). In summary, the available evidence is currently insufficient to determine the role of this variant in disease. Therefore, it has been classified as a Variant of Uncertain Significance.

NM_018942.3(HMX1):c.587T>C (p.Val196Ala)

Gene: HMX1 (H6 family homeobox 1; minus strand). Cytogenetic location: 4p16.1.
Variant type: single nucleotide variant.
Coding change: c.587T>C on transcript NM_018942.3 (MANE Select); coding-DNA position 587, T replaced by C.
Protein change: p.Val196Ala; replaces valine 196 with alanine.
Molecular consequence: missense variant. On other transcripts: intron variant (1).
Genome position (GRCh38, 1-based): chr4:8,868,153, A>G on the plus strand (T>C on the coding strand, the complement: HMX1 is on the minus strand). VCF-style: chr4-8868153-A-G. GRCh37 (hg19) VCF-style: chr4-8869879-A-G.
Other names: c.394+3068T>C (NM_001306142.2); short protein forms V196A.
Identifiers: ClinVar variation 848466 (VCV000848466.10), dbSNP rs1041653447, ClinGen allele CA92349796.